The following is an entry in ClinVar:

NC_000011.9:g.(?_108190671)_(108225611_?)del

Gene: ATM (ATM serine/threonine kinase; plus strand). Cytogenetic location: 11q22.3.
Variant type: Deletion.
Identifiers: ClinVar variation 1397302 (VCV001397302.7).

ClinVar aggregate classification (germline): Pathogenic (1 of 4 stars; one submission).

Conditions:
Ataxia-telangiectasia syndrome (AT). Also called: Ataxia-telangiectasia, complementation group D; Ataxia telangiectasia (A-T); Cerebello-oculocutaneous telangiectasia; Immunodeficiency with ataxia telangiectasia; ATAXIA-TELANGIECTASIA, COMPLEMENTATION GROUP A; ATAXIA-TELANGIECTASIA, FRESNO VARIANT. Identifiers: Orphanet 100, MedGen C0004135, MONDO:0008840, OMIM 208900.

Submission:

Labcorp Genetics (formerly Invitae), Labcorp
Classification: Pathogenic for Ataxia-telangiectasia syndrome. Last evaluated: 2022-01-12. Review status: criteria provided, single submitter. Criteria: Invitae Variant Classification Sherloc (09022015). Collection method: clinical testing. Allele origin: germline.
Comment: For these reasons, this variant has been classified as Pathogenic. This variant has not been reported in the literature in individuals affected with ATM-related conditions. This variant is a gross deletion of the genomic region encompassing exon(s) 44-61 of the ATM gene. This deletion is out-of-frame, and is expected to create a premature termination codon and result in an absent or disrupted protein product. Loss-of-function variants in ATM are known to be pathogenic (PMID: 23807571, 25614872).

Literature cited by the submitters: PubMed 23807571; PubMed 25614872.